The following is an entry in ClinVar:

ClinVar aggregate classification (germline): Uncertain significance (1 of 4 stars; one submission).

Conditions:
Gnathodiaphyseal dysplasia (GDD). Also called: GNATHODIAPHYSEAL SCLEROSIS; OSTEOGENESIS IMPERFECTA WITH UNUSUAL SKELETAL LESIONS. Identifiers: Orphanet 53697, MedGen C1833736, MONDO:0008151, OMIM 166260.
Autosomal recessive limb-girdle muscular dystrophy type 2L (LGMDR12). Also called: Limb-girdle muscular dystrophy, type 2L; MUSCULAR DYSTROPHY, LIMB-GIRDLE, AUTOSOMAL RECESSIVE 12; Limb-Girdle Muscular Dystrophy R12 Anoctamin-5-Related (LGMD-R12). Identifiers: Orphanet 206549, MedGen C1969785, MONDO:0012652, OMIM 611307.

gnomAD v4.1: 3 of 1,614,088 alleles (0.00019%); highest among the groups gnomAD compares: East Asian, 0.0045%; no homozygotes.

Submission:

Labcorp Genetics (formerly Invitae), Labcorp
Classification: Uncertain significance for Autosomal recessive limb-girdle muscular dystrophy type 2L; Gnathodiaphyseal dysplasia. Last evaluated: 2025-02-04. Review status: criteria provided, single submitter. Criteria: Invitae Variant Classification Sherloc (09022015). Collection method: clinical testing. Allele origin: germline.
Comment: This sequence change replaces asparagine, which is neutral and polar, with histidine, which is basic and polar, at codon 701 of the ANO5 protein (p.Asn701His). This variant is not present in population databases (gnomAD no frequency). This variant has not been reported in the literature in individuals affected with ANO5-related conditions. Invitae Evidence Modeling of protein sequence and biophysical properties (such as structural, functional, and spatial information, amino acid conservation, physicochemical variation, residue mobility, and thermodynamic stability) indicates that this missense variant is expected to disrupt ANO5 protein function with a positive predictive value of 95%. In summary, the available evidence is currently insufficient to determine the role of this variant in disease. Therefore, it has been classified as a Variant of Uncertain Significance.

NM_213599.3(ANO5):c.2101A>C (p.Asn701His)

Gene: ANO5 (anoctamin 5; plus strand). Cytogenetic location: 11p14.3.
Variant type: single nucleotide variant.
Coding change: c.2101A>C on transcript NM_213599.3 (MANE Select); coding-DNA position 2101, A replaced by C.
Protein change: p.Asn701His; replaces asparagine 701 with histidine.
Molecular consequence: missense variant.
Genome position (GRCh38, 1-based): chr11:22,272,855, A>C. VCF-style: chr11-22272855-A-C. GRCh37 (hg19) VCF-style: chr11-22294401-A-C.
Other names: c.1615A>C, p.Asn539His (NM_001441302.1); c.1981A>C, p.Asn661His (NM_001441297.1); c.1945A>C, p.Asn649His (NM_001441298.1); c.1942A>C, p.Asn648His (NM_001441299.1); c.1666A>C, p.Asn556His (NM_001441300.1); c.1663A>C, p.Asn555His (NM_001441301.1); c.2098A>C, p.Asn700His (NM_001142649.2); c.2059A>C, p.Asn687His (NM_001410963.1); and 4 more; short protein forms N556H, N649H, N661H, N686H, N687H, N555H, N675H, N701H.
Identifiers: ClinVar variation 4790752 (VCV004790752.1).